The following is an entry in ClinVar:

ClinVar aggregate classification (germline): Benign/Likely benign. Review status: criteria provided, multiple submitters, no conflicts (2 of 4 stars). 2 submissions from 2 submitters: Benign (1); Likely benign (1). Last evaluated 2018-10-26.

Allele frequency attached by ClinVar (database versions not stated): 1000 Genomes Project 30x 0.00078; 1000 Genomes Project 0.00080; ExAC 0.00082; ESP Exome Variant Server 0.00092; TOPMed 0.00095; gnomAD exomes 0.00096.

Submissions (2):

Centre for Mendelian Genomics, University Medical Centre Ljubljana
Classification: Benign. Last evaluated: 2018-10-26. Review status: criteria provided, single submitter. Criteria: ACMG Guidelines, 2015. Collection method: clinical testing. Allele origin: unknown. Affected: yes.
Comment: This variant was classified as: Benign. The following ACMG criteria were applied in classifying this variant: BS1,BS2,PP3.

Breakthrough Genomics
Classification: Likely benign. Review status: criteria provided, single submitter. Criteria: ACMG Guidelines, 2015. Collection method: not provided. Allele origin: germline. Inheritance: Unknown mechanism. Affected: yes.

NM_004217.4(AURKB):c.634G>C (p.Gly212Arg)

Gene: AURKB (aurora kinase B; minus strand). Cytogenetic location: 17p13.1.
Variant type: single nucleotide variant.
Coding change: c.634G>C on transcript NM_004217.4 (MANE Select); coding-DNA position 634, G replaced by C.
Protein change: p.Gly212Arg; replaces glycine 212 with arginine.
Molecular consequence: missense variant. On other transcripts: non-coding transcript variant (2).
Genome position (GRCh38, 1-based): chr17:8,206,543, C>G on the plus strand (G>C on the coding strand, the complement: AURKB is on the minus strand). VCF-style: chr17-8206543-C-G. GRCh37 (hg19) VCF-style: chr17-8109861-C-G.
Other names: c.511G>C, p.Gly171Arg (NM_001256834.3, NM_001313951.1); c.637G>C, p.Gly213Arg (NM_001284526.2); c.634G>C, p.Gly212Arg (NM_001313950.2); c.514G>C, p.Gly172Arg (NM_001313952.2); c.538G>C, p.Gly180Arg (NM_001313953.3); c.178G>C, p.Gly60Arg (NM_001313954.2); c.130G>C, p.Gly44Arg (NM_001313955.2); short protein forms G171R, G172R, G44R, G180R, G212R, G213R, G60R.
Identifiers: ClinVar variation 931197 (VCV000931197.4), dbSNP rs149651741, ClinGen allele CA8371423.
Genomic context (GRCh38, chr17:8,206,543, plus strand): 5'-CACCATACCTCAGGGAGGGCGCATGCACAGACCAGCCGAAGTCAGCAATCTTCAGCTCTC[C>G]CTTGAGCCCTAAGAGCAGATTTTCTGGCTTTATGTCTCTGTGAATCACCTTCTTCCCATG-3'
Protein context (NP_004208.2, residues 202-222): KPENLLLGLK[Gly212Arg]ELKIADFGWS